The following is an entry in ClinVar:

ClinVar aggregate classification (germline): Uncertain significance. Review status: criteria provided, multiple submitters, no conflicts (2 of 4 stars). 2 submissions from 2 submitters: Uncertain significance (2). Last evaluated 2025-04-02.

Conditions:
Inborn genetic diseases. Identifiers: MedGen C0950123, MeSH D030342.

Allele frequency attached by ClinVar (database versions not stated): TOPMed below 0.00001.
gnomAD v4.1: 1 of 1,614,076 alleles (0.000062%); highest among the groups gnomAD compares: South Asian, 0.0011%; no homozygotes.

Submissions (2):

Ambry Genetics
Classification: Uncertain significance for Inborn genetic diseases. Last evaluated: 2025-04-02. Review status: criteria provided, single submitter. Criteria: Ambry Variant Classification Scheme 2023. Collection method: clinical testing. Allele origin: germline.

Labcorp Genetics (formerly Invitae), Labcorp
Classification: Uncertain significance. Last evaluated: 2024-05-06. Review status: criteria provided, single submitter. Criteria: Invitae Variant Classification Sherloc (09022015). Collection method: clinical testing. Allele origin: germline.
Comment: This sequence change replaces leucine, which is neutral and non-polar, with valine, which is neutral and non-polar, at codon 148 of the RP1L1 protein (p.Leu148Val). This variant is not present in population databases (gnomAD no frequency). This variant has not been reported in the literature in individuals affected with RP1L1-related conditions. ClinVar contains an entry for this variant (Variation ID: 2110252). Advanced modeling of protein sequence and biophysical properties (such as structural, functional, and spatial information, amino acid conservation, physicochemical variation, residue mobility, and thermodynamic stability) performed at Invitae indicates that this missense variant is not expected to disrupt RP1L1 protein function with a negative predictive value of 80%. In summary, the available evidence is currently insufficient to determine the role of this variant in disease. Therefore, it has been classified as a Variant of Uncertain Significance.

NM_178857.6(RP1L1):c.442C>G (p.Leu148Val)

Gene: RP1L1 (RP1 like 1). Cytogenetic location: 8p23.1.
Variant type: single nucleotide variant.
Coding change: c.442C>G on transcript NM_178857.6 (MANE Select); coding-DNA position 442, C replaced by G.
Protein change: p.Leu148Val; replaces leucine 148 with valine.
Molecular consequence: missense variant.
Genome position (GRCh38, 1-based): chr8:10,622,760, G>C on the plus strand (C>G on the coding strand, the complement: RP1L1 is on the minus strand). VCF-style: chr8-10622760-G-C. GRCh37 (hg19) VCF-style: chr8-10480270-G-C.
Other names: c.442C>G (NM_178857.5); short protein forms L148V.
Identifiers: ClinVar variation 2110252 (VCV002110252.5), dbSNP rs1798084016, ClinGen allele CA370300153.